The following is an entry in ClinVar:

NM_001458.5(FLNC):c.4794C>A (p.Tyr1598Ter)

Gene: FLNC (filamin C; plus strand). Cytogenetic location: 7q32.1.
Variant type: single nucleotide variant.
Coding change: c.4794C>A on transcript NM_001458.5 (MANE Select); coding-DNA position 4794, C replaced by A.
Protein change: p.Tyr1598Ter; replaces tyrosine 1598 with a stop codon.
Molecular consequence: nonsense.
Genome position (GRCh38, 1-based): chr7:128,848,849, C>A. VCF-style: chr7-128848849-C-A. GRCh37 (hg19) VCF-style: chr7-128488903-C-A.
Other names: c.4794C>A, p.Tyr1598Ter (NM_001127487.2); short protein forms Y1598*.
Identifiers: ClinVar variation 962944 (VCV000962944.8), dbSNP rs1808681247, ClinGen allele CA369203095.

ClinVar aggregate classification (germline): Pathogenic (1 of 4 stars; one submission).

Conditions:
Myofibrillar myopathy 5. Also called: Filaminopathy (type); FILAMINOPATHY, AUTOSOMAL DOMINANT. Identifiers: Orphanet 171445, MedGen C1836050, MONDO:0012289, OMIM 609524.
Distal myopathy with posterior leg and anterior hand involvement. Also called: WILLIAMS DISTAL MYOPATHY. Identifiers: Orphanet 63273, MedGen C3279722, MONDO:0013550, OMIM 614065.
Hypertrophic cardiomyopathy 26. Also called: Cardiomyopathy, familial hypertrophic, 26. Identifiers: Orphanet 75249, MedGen C4310749, MONDO:0014883, OMIM 617047.

Submission:

Labcorp Genetics (formerly Invitae), Labcorp
Classification: Pathogenic for Distal myopathy with posterior leg and anterior hand involvement; Myofibrillar myopathy 5; Hypertrophic cardiomyopathy 26. Last evaluated: 2020-02-02. Review status: criteria provided, single submitter. Criteria: Invitae Variant Classification Sherloc (09022015). Collection method: clinical testing. Allele origin: germline.
Comment: This variant has not been reported in the literature in individuals with FLNC-related conditions. This variant is not present in population databases (ExAC no frequency). This sequence change creates a premature translational stop signal (p.Tyr1598*) in the FLNC gene. It is expected to result in an absent or disrupted protein product. For these reasons, this variant has been classified as Pathogenic. Loss-of-function variants in FLNC are known to be pathogenic (PMID: 27908349).

Literature cited by the submitters: PubMed 27908349.